The following is an entry in ClinVar:

NR_033294.2(SNORD118):n.109G>C

Genes: SNORD118 (small nucleolar RNA, C/D box 118; minus strand), TMEM107 (transmembrane protein 107; minus strand). Cytogenetic location: 17p13.1.
Variant type: single nucleotide variant.
Molecular consequence: non-coding transcript variant (on NR_033294.2). On other transcripts: 3 prime UTR variant (5).
Genome position: GRCh38 VCF-style: chr17-8173480-C-G. GRCh37 (hg19) VCF-style: chr17-8076798-C-G.
Other names: c.*723G>C (NM_001351278.2, NM_001351279.2, NM_001351280.2 and 2 more transcripts).
Identifiers: ClinVar variation 1353067 (VCV001353067.6), dbSNP rs201784335, ClinGen allele CA8370611.

ClinVar aggregate classification (germline): Uncertain significance (1 of 4 stars; one submission).

gnomAD v4.1: 30 of 764,744 alleles (0.0039%); highest among the groups gnomAD compares: Non-Finnish European, 0.0065%; no homozygotes.

Submission:

Labcorp Genetics (formerly Invitae), Labcorp
Classification: Uncertain significance. Last evaluated: 2024-10-29. Review status: criteria provided, single submitter. Criteria: Invitae Variant Classification Sherloc (09022015). Collection method: clinical testing. Allele origin: germline.
Comment: This variant occurs in the SNORD118 gene, which encodes an RNA molecule that does not result in a protein product. This variant is present in population databases (rs201784335, gnomAD 0.01%). This variant has not been reported in the literature in individuals affected with SNORD118-related conditions. ClinVar contains an entry for this variant (Variation ID: 1353067). Experimental studies and prediction algorithms are not available or were not evaluated, and the functional significance of this variant is currently unknown. In summary, the available evidence is currently insufficient to determine the role of this variant in disease. Therefore, it has been classified as a Variant of Uncertain Significance.